The following is an entry in ClinVar:

NM_004385.5(VCAN):c.1595A>C (p.Glu532Ala)

Gene: VCAN (versican; plus strand). Cytogenetic location: 5q14.3.
Variant type: single nucleotide variant.
Coding change: c.1595A>C on transcript NM_004385.5 (MANE Select); coding-DNA position 1595, A replaced by C.
Protein change: p.Glu532Ala; replaces glutamic acid 532 with alanine.
Molecular consequence: missense variant. On other transcripts: intron variant (2).
Genome position (GRCh38, 1-based): chr5:83,519,901, A>C. VCF-style: chr5-83519901-A-C. GRCh37 (hg19) VCF-style: chr5-82815720-A-C.
Other names: c.1595A>C, p.Glu532Ala (NM_001164098.2); c.1042+7505A>C (NM_001164097.2, NM_001126336.3); c.1595A>C (NM_004385.4); short protein forms E532A.
Identifiers: ClinVar variation 1010677 (VCV001010677.12), dbSNP rs369333149, ClinGen allele CA3332707.
Genomic context (GRCh38, chr5:83,519,901, plus strand): 5'-AATTCCCTGTAACTGAAACACCATTGGTAACTGCAAGAATGATCCTGGAATCCAAAACTG[A>C]AAAGAAAATGGTAAGCACTGTTTCTGAATTGGTAACCACAGGTCACTATGGATTCACCTT-3'
Protein context (NP_004376.2, residues 522-542): TARMILESKT[Glu532Ala]KKMVSTVSEL

ClinVar aggregate classification (germline): Uncertain significance. Review status: criteria provided, multiple submitters, no conflicts (2 of 4 stars). 4 submissions from 4 submitters: Uncertain significance (4). Last evaluated 2026-03-23.

Conditions:
Inborn genetic diseases. Identifiers: MedGen C0950123, MeSH D030342.
VCAN-related disorder. Also called: VCAN-related condition.

Allele frequency attached by ClinVar (database versions not stated): gnomAD exomes 0.00006 and 0.00007; TOPMed 0.00006; ExAC 0.00007; gnomAD 0.00007; ESP Exome Variant Server 0.00008.
gnomAD v4.1: 108 of 1,614,014 alleles (0.0067%); highest among the groups gnomAD compares: Middle Eastern, 0.066%; no homozygotes.

Submissions (4):

PreventionGenetics, part of Exact Sciences
Classification: Uncertain significance for VCAN-related condition. Last evaluated: 2026-03-23. Review status: criteria provided, single submitter. Criteria: ACMG Guidelines, 2015. Collection method: clinical testing. Allele origin: germline.
Comment: The VCAN c.1595A>C variant is predicted to result in the amino acid substitution p.Glu532Ala. To our knowledge, this variant has not been reported in the literature. This variant is reported in 0.012% of alleles in individuals of European (Non-Finnish) descent in gnomAD. Although we suspect that this variant may be benign, at this time, the clinical significance of this variant is uncertain due to the absence of conclusive functional and genetic evidence.

Labcorp Genetics (formerly Invitae), Labcorp
Classification: Uncertain significance. Last evaluated: 2025-11-12. Review status: criteria provided, single submitter. Criteria: Invitae Variant Classification Sherloc (09022015). Collection method: clinical testing. Allele origin: germline.
Comment: This sequence change replaces glutamic acid, which is acidic and polar, with alanine, which is neutral and non-polar, at codon 532 of the VCAN protein (p.Glu532Ala). This variant is present in population databases (rs369333149, gnomAD 0.01%). This variant has not been reported in the literature in individuals affected with VCAN-related conditions. ClinVar contains an entry for this variant (Variation ID: 1010677). An algorithm developed to predict the effect of missense changes on protein structure and function outputs the following: PolyPhen-2: "Benign". The alanine amino acid residue is found in multiple mammalian species, which suggests that this missense change does not adversely affect protein function. In summary, the available evidence is currently insufficient to determine the role of this variant in disease. Therefore, it has been classified as a Variant of Uncertain Significance.

Ambry Genetics
Classification: Uncertain significance for Inborn genetic diseases. Last evaluated: 2024-11-20. Review status: criteria provided, single submitter. Criteria: Ambry Variant Classification Scheme 2023. Collection method: clinical testing. Allele origin: germline.

Blueprint Genetics
Classification: Uncertain significance. Last evaluated: 2024-09-18. Review status: criteria provided, single submitter. Criteria: ACMG Guidelines, 2015. Collection method: clinical testing. Allele origin: germline.